The following is an entry in ClinVar:

ClinVar aggregate classification (germline): Uncertain significance (1 of 4 stars; one submission).

Conditions:
Primary ciliary dyskinesia 7. Also called: CILIARY DYSKINESIA, PRIMARY, 7, WITH OR WITHOUT SITUS INVERSUS. Identifiers: Orphanet 244, MedGen C2678473, MONDO:0012748, OMIM 611884.

Submission:

The Laboratory of Genetics and Metabolism, Hunan Children’s Hospital
Classification: Uncertain significance for Primary ciliary dyskinesia 7. Last evaluated: 2021-03-06. Review status: criteria provided, single submitter. Criteria: ACMG Guidelines, 2015. Collection method: research. Allele origin: germline. Affected: yes. Observed: 1 variant allele.
Comment: In compound heterozygosity following autosomal recessive inheritance.

Literature cited by the submitters: PubMed 34298581.

NM_001277115.2(DNAH11):c.6934T>C (p.Ser2312Pro)

Gene: DNAH11 (dynein axonemal heavy chain 11; plus strand). Cytogenetic location: 7p15.3.
Variant type: single nucleotide variant.
Coding change: c.6934T>C on transcript NM_001277115.2 (MANE Select); coding-DNA position 6934, T replaced by C.
Protein change: p.Ser2312Pro; replaces serine 2312 with proline.
Molecular consequence: missense variant.
Genome position (GRCh38, 1-based): chr7:21,711,811, T>C. VCF-style: chr7-21711811-T-C. GRCh37 (hg19) VCF-style: chr7-21751429-T-C.
Other names: short protein forms S2312P.
Identifiers: ClinVar variation 1172764 (VCV001172764.2), dbSNP rs1784474897, ClinGen allele CA366941603.